The following is an entry in ClinVar:

ClinVar aggregate classification (germline): Uncertain significance (1 of 4 stars; one submission).

Submission:

Labcorp Genetics (formerly Invitae), Labcorp
Classification: Uncertain significance. Last evaluated: 2025-02-11. Review status: criteria provided, single submitter. Criteria: Invitae Variant Classification Sherloc (09022015). Collection method: clinical testing. Allele origin: germline.
Comment: This sequence change replaces cysteine, which is neutral and slightly polar, with phenylalanine, which is neutral and non-polar, at codon 89 of the COL2A1 protein (p.Cys89Phe). This variant is not present in population databases (gnomAD no frequency). This variant has not been reported in the literature in individuals affected with COL2A1-related conditions. Invitae Evidence Modeling of protein sequence and biophysical properties (such as structural, functional, and spatial information, amino acid conservation, physicochemical variation, residue mobility, and thermodynamic stability) indicates that this missense variant is expected to disrupt COL2A1 protein function with a positive predictive value of 95%. In summary, the available evidence is currently insufficient to determine the role of this variant in disease. Therefore, it has been classified as a Variant of Uncertain Significance.

NM_001844.5(COL2A1):c.266G>T (p.Cys89Phe)

Gene: COL2A1 (collagen type II alpha 1 chain; minus strand). Cytogenetic location: 12q13.11.
Variant type: single nucleotide variant.
Coding change: c.266G>T on transcript NM_001844.5 (MANE Select); coding-DNA position 266, G replaced by T.
Protein change: p.Cys89Phe; replaces cysteine 89 with phenylalanine.
Molecular consequence: missense variant. On other transcripts: intron variant (1).
Genome position (GRCh38, 1-based): chr12:47,999,945, C>A on the plus strand (G>T on the coding strand, the complement: COL2A1 is on the minus strand). VCF-style: chr12-47999945-C-A. GRCh37 (hg19) VCF-style: chr12-48393728-C-A.
Other names: c.86-1514G>T (NM_033150.3); short protein forms C89F.
Identifiers: ClinVar variation 3635075 (VCV003635075.2).